The following is an entry in ClinVar:

NM_000384.3(APOB):c.2726C>G (p.Ser909Trp)

Gene: APOB (apolipoprotein B; minus strand). Cytogenetic location: 2p24.1.
Variant type: single nucleotide variant.
Coding change: c.2726C>G on transcript NM_000384.3 (MANE Select); coding-DNA position 2726, C replaced by G.
Protein change: p.Ser909Trp; replaces serine 909 with tryptophan.
Molecular consequence: missense variant.
Genome position (GRCh38, 1-based): chr2:21,022,921, G>C on the plus strand (C>G on the coding strand, the complement: APOB is on the minus strand). VCF-style: chr2-21022921-G-C. GRCh37 (hg19) VCF-style: chr2-21245793-G-C.
Other names: short protein forms S909W.
Identifiers: ClinVar variation 4125454 (VCV004125454.1).
Genomic context (GRCh38, chr2:21,022,921, plus strand): 5'-GGGGAAGGAATGATAAACTTCAGCTTCCCAGCTTTTAGGGCAACATGAGCCTCCAGACCC[G>C]ACTCGTGGAAGAAGTTGGTGTTCATCTGGACCCCACTCCTAGCGAAGTCCGGAATGATGA-3'
Protein context (NP_000375.3, residues 899-919): VQMNTNFFHE[Ser909Trp]GLEAHVALKA

ClinVar aggregate classification (germline): Uncertain significance (1 of 4 stars; one submission).

Conditions:
Cardiovascular phenotype. Identifiers: MedGen CN230736.

Submission:

Ambry Genetics
Classification: Uncertain significance for Cardiovascular phenotype. Last evaluated: 2025-08-30. Review status: criteria provided, single submitter. Criteria: Ambry Variant Classification Scheme 2023. Collection method: clinical testing. Allele origin: germline.
Comment: The p.S909W variant (also known as c.2726C>G), located in coding exon 18 of the APOB gene, results from a C to G substitution at nucleotide position 2726. The serine at codon 909 is replaced by tryptophan, an amino acid with highly dissimilar properties. This amino acid position is conserved. In addition, this alteration is predicted to be tolerated by in silico analysis. Based on the available evidence, the clinical significance of this variant remains unclear.